The following is an entry in ClinVar:

NM_001457.4(FLNB):c.668C>T (p.Pro223Leu)

Gene: FLNB (filamin B; plus strand). Cytogenetic location: 3p14.3.
Variant type: single nucleotide variant.
Coding change: c.668C>T on transcript NM_001457.4 (MANE Select); coding-DNA position 668, C replaced by T.
Protein change: p.Pro223Leu; replaces proline 223 with leucine.
Molecular consequence: missense variant.
Genome position (GRCh38, 1-based): chr3:58,081,657, C>T. VCF-style: chr3-58081657-C-T. GRCh37 (hg19) VCF-style: chr3-58067384-C-T.
Other names: c.668C>T, p.Pro223Leu (NM_001164317.2, NM_001164318.2, NM_001164319.2); short protein forms P223L.
Identifiers: ClinVar variation 1425856 (VCV001425856.10), dbSNP rs574643677, ClinGen allele CA2467595.

ClinVar aggregate classification (germline): Uncertain significance. Review status: criteria provided, multiple submitters, no conflicts (2 of 4 stars). 2 submissions from 2 submitters: Uncertain significance (2). Last evaluated 2021-02-25.

Conditions:
Atelosteogenesis type III. Also called: Atelosteogenesis Type 3 (FLNB-AO3). Identifiers: Orphanet 56305, MedGen C3668942, MONDO:0007168, OMIM 108721.
Atelosteogenesis type I. Also called: Atelosteogenesis Type 1 (FLNB-AO1); GIANT CELL CHONDRODYSPLASIA; SPONDYLOHUMEROFEMORAL HYPOPLASIA. Identifiers: Orphanet 1190, MedGen C0265283, MONDO:0007167, OMIM 108720.
Boomerang dysplasia. Identifiers: Orphanet 1263, MedGen C0432201, MONDO:0007208, OMIM 112310.
Spondylocarpotarsal synostosis syndrome (SCT). Also called: Spondylocarpotarsal Synostosis Syndrome (FLNB-SCT); Synspondylism congenital; Scoliosis, congenital with unilateral unsegmented bar; SPONDYLOCARPOTARSAL SYNDROME; VERTEBRAL FUSION WITH CARPAL COALITION. Identifiers: Orphanet 3275, MedGen C1848934, MONDO:0010094, OMIM 272460.
Larsen syndrome (LRS). Also called: Bilateral dislocation of the knees, pes cavus, cylindrically shaped fingers and characteristic facies; Larsen syndrome (FLNB-LS). Identifiers: Orphanet 503, MedGen C0175778, MONDO:0007875, OMIM 150250. Disease mechanism: loss of function.

Allele frequency attached by ClinVar (database versions not stated): gnomAD exomes below 0.00001; ExAC 0.00001; gnomAD 0.00001; 1000 Genomes Project 0.00020; 1000 Genomes Project 30x 0.00031.
gnomAD v4.1: 2 of 1,614,058 alleles (0.00012%); highest among the groups gnomAD compares: East Asian, 0.0022%; no homozygotes.

Submissions (2):

Labcorp Genetics (formerly Invitae), Labcorp
Classification: Uncertain significance. Last evaluated: 2021-02-25. Review status: criteria provided, single submitter. Criteria: Invitae Variant Classification Sherloc (09022015). Collection method: clinical testing. Allele origin: germline.
Comment: This sequence change replaces proline with leucine at codon 223 of the FLNB protein (p.Pro223Leu). The proline residue is highly conserved and there is a moderate physicochemical difference between proline and leucine. This variant is present in population databases (rs574643677, ExAC 0.01%). This variant has not been reported in the literature in individuals with FLNB-related conditions. Algorithms developed to predict the effect of missense changes on protein structure and function (SIFT, PolyPhen-2, Align-GVGD) all suggest that this variant is likely to be disruptive, but these predictions have not been confirmed by published functional studies and their clinical significance is uncertain. In summary, the available evidence is currently insufficient to determine the role of this variant in disease. Therefore, it has been classified as a Variant of Uncertain Significance.

Juno Genomics, Hangzhou Juno Genomics, Inc
Classification: Uncertain significance for Atelosteogenesis type I; Atelosteogenesis type III; Boomerang dysplasia; Larsen syndrome; Spondylocarpotarsal synostosis syndrome. Review status: criteria provided, single submitter. Criteria: ACMG Guidelines, 2015. Collection method: clinical testing. Allele origin: germline.
Comment: Missense variant in a gene that has a low rate of benign missense variation.;Multiple lines of computational evidence support a deleterious effect on the gene or gene product.;Absent from controls (or at extremely low frequency if recessive) in Genome Aggregation Database.